The following is an entry in ClinVar:

NM_001291303.3(FAT4):c.3483T>G (p.Phe1161Leu)

Gene: FAT4 (FAT atypical cadherin 4; plus strand). Cytogenetic location: 4q28.1.
Variant type: single nucleotide variant.
Coding change: c.3483T>G on transcript NM_001291303.3 (MANE Select); coding-DNA position 3483, T replaced by G.
Protein change: p.Phe1161Leu; replaces phenylalanine 1161 with leucine.
Molecular consequence: missense variant.
Genome position (GRCh38, 1-based): chr4:125,319,894, T>G. VCF-style: chr4-125319894-T-G. GRCh37 (hg19) VCF-style: chr4-126241049-T-G.
Other names: c.3483T>G, p.Phe1161Leu (NM_001291285.3, NM_024582.6); short protein forms F1161L.
Identifiers: ClinVar variation 2655078 (VCV002655078.24), dbSNP rs2530443291, ClinGen allele CA358124085.

ClinVar aggregate classification (germline): Uncertain significance (1 of 4 stars; one submission).

Submission:

CeGaT Center for Human Genetics Tuebingen
Classification: Uncertain significance. Last evaluated: 2023-06-01. Review status: criteria provided, single submitter. Criteria: CeGaT Center For Human Genetics Tuebingen Variant Classification Criteria Version 2. Collection method: clinical testing. Allele origin: germline. Affected: yes. Observed: 1 variant allele.
Comment: FAT4: PM2